The following is an entry in ClinVar:

NM_001723.7(DST):c.7543C>T (p.Gln2515Ter)

Gene: DST (dystonin; minus strand). Cytogenetic location: 6p12.1.
Variant type: single nucleotide variant.
Coding change: c.7543C>T on transcript NM_001723.7 (MANE Plus Clinical); coding-DNA position 7543, C replaced by T.
Protein change: p.Gln2515Ter; replaces glutamine 2515 with a stop codon.
Molecular consequence: nonsense. On other transcripts: intron variant (10).
Genome position (GRCh38, 1-based): chr6:56,615,924, G>A on the plus strand (C>T on the coding strand, the complement: DST is on the minus strand). VCF-style: chr6-56615924-G-A. GRCh37 (hg19) VCF-style: chr6-56480722-G-A.
Other names: c.4831-1440C>T (NM_001144769.5); c.4930-1440C>T (NM_001374722.1, NM_001374736.1); c.4957-1440C>T (NM_001374734.1); c.4417-1440C>T (NM_001144770.2); c.4297-1440C>T (NM_001374730.1, NM_001386100.1, NM_183380.4 and 1 more transcripts); c.3319-1440C>T (NM_015548.5); short protein forms Q2515*.
Identifiers: ClinVar variation 391713 (VCV000391713.2), dbSNP rs1057524203, ClinGen allele CA16604973.
Genomic context (GRCh38, chr6:56,615,924, plus strand): 5'-TTTTGTTAGTGATGGGATGGCCAATCCCTGTGATTACTAATTCACACTGTCGCAGCTGCT[G>A]GGCAAACCCCTCATCAACCAGGCCTCTATGCAAAGCTTCGGCCACCCGGTACTTTTTGCC-3'

ClinVar aggregate classification (germline): Pathogenic (1 of 4 stars; one submission).

Allele frequency attached by ClinVar (database versions not stated): gnomAD exomes below 0.00001; TOPMed 0.00002.
gnomAD v4.1: 1 of 1,614,182 alleles (0.000062%); highest among the groups gnomAD compares: East Asian, 0.0022%; no homozygotes.

Submission:

GeneDx
Classification: Pathogenic. Last evaluated: 2016-12-13. Review status: criteria provided, single submitter. Criteria: GeneDx Variant Classification (06012015). Collection method: clinical testing. Allele origin: germline. Affected: yes.
Comment: The Q2515X variant in the DST gene has not been reported previously as a pathogenic variant nor as a benign variant, to our knowledge. This variant is predicted to cause loss of normal protein function either through protein truncation or nonsense-mediated mRNA decay. The Q2515X variant was not observed in approximately 6500 individuals of European and African American ancestry in the NHLBI Exome Sequencing Project, indicating it is not a common benign variant in these populations. We interpret Q2515X as a pathogenic variant.